The following is an entry in ClinVar:

ClinVar aggregate classification (germline): Uncertain significance. Review status: criteria provided, single submitter (1 of 4 stars). 2 submissions from 2 submitters: Uncertain significance (1). 1 of the submissions does not count toward it. Last evaluated 2022-06-14.

Conditions:
Cobalamin C disease. Also called: Methylmalonic aciduria with homocystinuria cblC type; Methylmalonic aciduria and homocystinuria, Vitamin B12-responsive; Vitamin B12 metabolic defect with combined deficiency of methylmalonyl-CoA mutase and homocysteine:methyltetrahydrofolate methyltransferase; methylmalonic aciduria and homocystinuria type cblC; Cobalamin-C methylmalonic acidemia and homocystinuria; Methylmalonic acidemia and homocystinuria cblC type. Identifiers: Orphanet 26, Orphanet 79282, MedGen C1848561, MONDO:0010184, OMIM 277400.

Allele frequency attached by ClinVar (database versions not stated): gnomAD exomes below 0.00001; ExAC 0.00001; gnomAD 0.00001; TOPMed 0.00002; ESP Exome Variant Server 0.00008.
gnomAD v4.1: 3 of 1,614,114 alleles (0.00019%); highest among the groups gnomAD compares: Admixed American, 0.0017%; no homozygotes.

Submissions (2):

Labcorp Genetics (formerly Invitae), Labcorp
Classification: Uncertain significance for Cobalamin C disease. Last evaluated: 2022-06-14. Review status: criteria provided, single submitter. Criteria: Invitae Variant Classification Sherloc (09022015). Collection method: clinical testing. Allele origin: germline.
Comment: This sequence change replaces glutamic acid, which is acidic and polar, with lysine, which is basic and polar, at codon 136 of the MMACHC protein (p.Glu136Lys). This variant is present in population databases (rs374086070, gnomAD 0.003%). This variant has not been reported in the literature in individuals affected with MMACHC-related conditions. ClinVar contains an entry for this variant (Variation ID: 850981). Advanced modeling of protein sequence and biophysical properties (such as structural, functional, and spatial information, amino acid conservation, physicochemical variation, residue mobility, and thermodynamic stability) performed at Invitae indicates that this missense variant is not expected to disrupt MMACHC protein function. In summary, the available evidence is currently insufficient to determine the role of this variant in disease. Therefore, it has been classified as a Variant of Uncertain Significance.

Natera, Inc.
Classification: Uncertain significance for Methylmalonic aciduria and homocystinuria cblC type. Last evaluated: 2020-09-18. Review status: no assertion criteria provided. Collection method: clinical testing. Allele origin: germline. Not counted in ClinVar's aggregate classification.

NM_015506.3(MMACHC):c.406G>A (p.Glu136Lys)

Gene: MMACHC (metabolism of cobalamin associated C; plus strand). Cytogenetic location: 1p34.1.
Variant type: single nucleotide variant.
Coding change: c.406G>A on transcript NM_015506.3 (MANE Select); coding-DNA position 406, G replaced by A.
Protein change: p.Glu136Lys; replaces glutamic acid 136 with lysine.
Molecular consequence: missense variant.
Genome position (GRCh38, 1-based): chr1:45,508,341, G>A. VCF-style: chr1-45508341-G-A. GRCh37 (hg19) VCF-style: chr1-45974013-G-A.
Other names: c.235G>A, p.Glu79Lys (NM_001330540.2); short protein forms E136K, E79K.
Identifiers: ClinVar variation 850981 (VCV000850981.7), dbSNP rs374086070, ClinGen allele CA827728.